The following is an entry in ClinVar:

NM_153240.5(NPHP3):c.3252A>G (p.Thr1084=)

Genes: NPHP3 (nephrocystin 3; minus strand), NPHP3-ACAD11 (NPHP3-ACAD11 readthrough (NMD candidate); minus strand). Cytogenetic location: 3q22.1.
Variant type: single nucleotide variant.
Coding change: c.3252A>G on transcript NM_153240.5 (MANE Select); coding-DNA position 3252, A replaced by G.
Protein change: p.Thr1084=; no amino-acid change (threonine 1084 retained).
Molecular consequence: synonymous variant. On other transcripts: non-coding transcript variant (1).
Genome position (GRCh38, 1-based): chr3:132,686,337, T>C on the plus strand (A>G on the coding strand, the complement: NPHP3 is on the minus strand). VCF-style: chr3-132686337-T-C. GRCh37 (hg19) VCF-style: chr3-132405181-T-C.
Other names: p.Thr1084=.
Identifiers: ClinVar variation 262704 (VCV000262704.26), dbSNP rs11915053, ClinGen allele CA2621792.

ClinVar aggregate classification (germline): Conflicting classifications of pathogenicity. Review status: criteria provided, conflicting classifications (1 of 4 stars). 12 submissions from 10 submitters: Uncertain significance (1); Benign (7). 4 of the submissions do not count toward it. Last evaluated 2026-02-01.

Conditions:
Nephronophthisis. Also called: Juvenile Nephronophthisis. Identifiers: Orphanet 655, MedGen C0687120, MONDO:0019005, HP:0000090.
Renal-hepatic-pancreatic dysplasia 1 (RHPD1). Identifiers: MedGen C3715199, MONDO:0008833, OMIM 208540.
NPHP3-related Meckel-like syndrome. Also called: GOLDSTON SYNDROME; Meckel syndrome type 7. Identifiers: Orphanet 3032, MedGen C2673885, MONDO:0009966, OMIM 267010.
Nephronophthisis 3 (NPHP3). Also called: Adolescent nephronophthisis. Identifiers: Orphanet 655, MedGen C1858392, MONDO:0011456, OMIM 604387.

Allele frequency attached by ClinVar (database versions not stated): gnomAD 0.00629 and 0.00584; TOPMed 0.00693; gnomAD exomes 0.00154 and 0.00060; ExAC 0.00180; ESP Exome Variant Server 0.00723; 1000 Genomes Project 0.00659; 1000 Genomes Project 30x 0.00750.
gnomAD v4.1: 1,803 of 1,613,968 alleles (0.11%); highest among the groups gnomAD compares: African/African-American, 2.1%; 22 homozygotes.

Submissions (12):

Labcorp Genetics (formerly Invitae), Labcorp
Classification: Benign for Nephronophthisis. Last evaluated: 2026-02-01. Review status: criteria provided, single submitter. Criteria: Invitae Variant Classification Sherloc (09022015). Collection method: clinical testing. Allele origin: germline.

Mayo Clinic Laboratories, Mayo Clinic
Classification: Benign. Last evaluated: 2023-10-12. Review status: criteria provided, single submitter. Criteria: ACMG Guidelines, 2015. Collection method: clinical testing. Allele origin: germline. Observed: 5 variant alleles.
Comment: BS1, BS2, BP4, BP7

Genetic Services Laboratory, University of Chicago
Classification: Benign. Last evaluated: 2018-03-08. Review status: criteria provided, single submitter. Criteria: ACMG Guidelines, 2015. Collection method: clinical testing. Allele origin: germline. Affected: no.

GeneDx
Classification: Benign. Last evaluated: 2018-01-18. Review status: criteria provided, single submitter. Criteria: GeneDx Variant Classification (06012015). Collection method: clinical testing. Allele origin: germline. Affected: yes.
Comment: This variant is considered likely benign or benign based on one or more of the following criteria: it is a conservative change, it occurs at a poorly conserved position in the protein, it is predicted to be benign by multiple in silico algorithms, and/or has population frequency not consistent with disease.

Illumina Laboratory Services, Illumina
Classification: Benign for Nephronophthisis 3. Last evaluated: 2018-01-13. Review status: criteria provided, single submitter. Criteria: ICSL Variant Classification Criteria 13 December 2019. Collection method: clinical testing. Allele origin: germline.
Comment: This variant was observed in the ICSL laboratory as part of a predisposition screen in an ostensibly healthy population. It had not been previously curated by ICSL or reported in the Human Gene Mutation Database (HGMD: prior to June 1st, 2018), and was therefore a candidate for classification through an automated scoring system. Utilizing variant allele frequency, disease prevalence and penetrance estimates, and inheritance mode, an automated score was calculated to assess if this variant is too frequent to cause the disease. Based on the score and internal cut-off values, a variant classified as benign is not then subjected to further curation. The score for this variant resulted in a classification of benign for this disease.

Illumina Laboratory Services, Illumina
Classification: Uncertain significance for NPHP3-related Meckel-like syndrome. Last evaluated: 2018-01-13. Review status: criteria provided, single submitter. Criteria: ICSL Variant Classification Criteria 13 December 2019. Collection method: clinical testing. Allele origin: germline.

Illumina Laboratory Services, Illumina
Classification: Benign for Renal-hepatic-pancreatic dysplasia 1. Last evaluated: 2018-01-13. Review status: criteria provided, single submitter. Criteria: ICSL Variant Classification Criteria 13 December 2019. Collection method: clinical testing. Allele origin: germline.
Comment: the same text as in the submission from Illumina Laboratory Services, Illumina above.

PreventionGenetics, part of Exact Sciences
Classification: Benign. Review status: criteria provided, single submitter. Criteria: ACMG Guidelines, 2015. Collection method: clinical testing. Allele origin: germline.

Clinical Genetics DNA and cytogenetics Diagnostics Lab, Erasmus MC, Erasmus Medical Center
Classification: Likely benign. Review status: no assertion criteria provided. Collection method: clinical testing. Allele origin: germline. Affected: yes. Study: VKGL Data-share Consensus. Not counted in ClinVar's aggregate classification.

Clinical Genetics, Academic Medical Center
Classification: Benign. Review status: no assertion criteria provided. Collection method: clinical testing. Allele origin: germline. Affected: yes. Study: VKGL Data-share Consensus. Not counted in ClinVar's aggregate classification.

Genome Diagnostics Laboratory, University Medical Center Utrecht
Classification: Likely benign. Review status: no assertion criteria provided. Collection method: clinical testing. Allele origin: germline. Affected: yes. Study: VKGL Data-share Consensus. Not counted in ClinVar's aggregate classification.

Joint Genome Diagnostic Labs from Nijmegen and Maastricht, Radboudumc and MUMC+
Classification: Benign. Review status: no assertion criteria provided. Collection method: clinical testing. Allele origin: germline. Affected: yes. Study: VKGL Data-share Consensus. Not counted in ClinVar's aggregate classification.